The following is an entry in ClinVar:

NM_001039591.3(USP9X):c.3203G>A (p.Gly1068Glu)

Gene: USP9X (ubiquitin specific peptidase 9 X-linked; plus strand). Cytogenetic location: Xp11.4.
Variant type: single nucleotide variant.
Coding change: c.3203G>A on transcript NM_001039591.3 (MANE Select); coding-DNA position 3203, G replaced by A.
Protein change: p.Gly1068Glu; replaces glycine 1068 with glutamic acid.
Molecular consequence: missense variant.
Genome position (GRCh38, 1-based): chrX:41,184,052, G>A. VCF-style: chrX-41184052-G-A. GRCh37 (hg19) VCF-style: chrX-41043305-G-A.
Other names: c.3203G>A, p.Gly1068Glu (NM_001039590.3); c.3218G>A, p.Gly1073Glu (NM_001410748.1, NM_001410749.1, NM_001437534.1); short protein forms G1068E, G1073E.
Identifiers: ClinVar variation 5020578 (VCV005020578.1).

ClinVar aggregate classification (germline): Uncertain significance (1 of 4 stars; one submission).

Submission:

Dasa
Classification: Uncertain significance. Last evaluated: 2026-08-05. Review status: criteria provided, single submitter. Criteria: DASA Assertion Criteria. Collection method: clinical testing. Allele origin: germline.
Comment: NM_001039591.3(USP9X):c.3203G>A (p.Gly1068Glu) is a missense variant that results in the substitution of glycine with glutamic acid. This variant is rare in population databases. The currently available literature and clinical evidence are not sufficient to establish a definitive association between this variant and the reported condition. Therefore, this variant is classified as a variant of uncertain significance.